The following is an entry in ClinVar:

ClinVar aggregate classification (germline): Pathogenic (0 of 4 stars; one submission).

Conditions:
Hydrocephalus (HYC). Identifiers: MedGen C0020255, MONDO:0001150, HP:0000238.
Intellectual disability. Also called: intellectual disabilities; Intellectual functioning disability; Intellectual developmental disorder. Identifiers: MedGen C3714756, MeSH D008607, MONDO:0001071, HP:0001249.
Basal cell carcinoma. Identifiers: MedGen C0007117, MeSH D002280, MONDO:0020804.
Hypertelorism. Identifiers: MedGen C0020534, OMIM 145400, HP:0000316.
Hand polydactyly. Identifiers: MedGen C0158733, HP:0001161.
Overgrowth. Identifiers: MedGen C1849265, HP:0001548.
Brachycephaly. Identifiers: Orphanet 35099, MedGen C0221356, HP:0000248.

Submission:

Clinical Genetics Center, Tokyo Medical University Hospital
Classification: Pathogenic for Skin basal cell carcinoma; Overgrowth; Hydrocephalus; Intellectual disability; Brachycephaly; Hand polydactyly; Hypertelorism. Last evaluated: 2019-09-09. Review status: no assertion criteria provided. Collection method: clinical testing. Allele origin: germline. Inheritance: Autosomal dominant inheritance. Affected: yes. Observed: 2 variant alleles, 2 heterozygotes. Clinical features observed: Overgrowth.
Comment: Eleven 9q22.3 microdeletion patients with prenatal-onset overgrowth have common deleted region 96,771,456-97,322,234 emcompassing C9orf3, FANCC, PTCH1, mir-6081, mir-23b, mir-27b, mir-3074, and mir-24-1. In 10 of 11 patients, let-7a-1, let-7f-1, and let-7d were deleted.

NCBI36/hg18 9q22.32-22.33(chr9:95946863-99986314)x1

Variant type: copy number loss.
Identifiers: ClinVar variation 694603 (VCV000694603.4).